The following is an entry in ClinVar:

ClinVar aggregate classification (germline): Uncertain significance (1 of 4 stars; one submission).

Conditions:
Congenital lipoid adrenal hyperplasia due to STAR deficency. Also called: Congenital Lipoid Adrenal Hyperplasia; Lipoid adrenal hyperplasia; ADRENAL HYPERPLASIA I; Cholesterol monooxygenase (side-chain cleaving) deficiency. Identifiers: Orphanet 418, Orphanet 90790, MedGen C0342474, MONDO:0008725, OMIM 201710.

Submission:

Myriad Genetics, Inc.
Classification: Uncertain significance for Congenital lipoid adrenal hyperplasia due to STAR deficency. Last evaluated: 2026-06-25. Review status: criteria provided, single submitter. Criteria: Myriad Autosomal Dominant, Autosomal Recessive and X-Linked Classification Criteria (2023). Collection method: clinical testing. Allele origin: unknown.
Comment: NM_000349.2(STAR):c.719C>G(T240R) is a missense variant classified as a variant of uncertain significance in the context of lipoid congenital adrenal hyperplasia. T240R has not been observed in cases with relevant disease. Relevant functional assessments of this variant are not available in the literature. T240R has not been observed in referenced population frequency databases. In summary, there is insufficient evidence to classify NM_000349.2(STAR):c.719C>G(T240R) as pathogenic or benign. Please note: this variant was assessed in the context of healthy population screening.

NM_000349.3(STAR):c.719C>G (p.Thr240Arg)

Gene: STAR (steroidogenic acute regulatory protein; minus strand). Cytogenetic location: 8p11.23.
Variant type: single nucleotide variant.
Coding change: c.719C>G on transcript NM_000349.3 (MANE Select); coding-DNA position 719, C replaced by G.
Protein change: p.Thr240Arg; replaces threonine 240 with arginine.
Molecular consequence: missense variant.
Genome position (GRCh38, 1-based): chr8:38,145,247, G>C on the plus strand (C>G on the coding strand, the complement: STAR is on the minus strand). VCF-style: chr8-38145247-G-C. GRCh37 (hg19) VCF-style: chr8-38002765-G-C.
Other names: short protein forms T240R.
Identifiers: ClinVar variation 5003621 (VCV005003621.1).